The following is an entry in ClinVar:

NM_001127644.2(GABRA1):c.611G>T (p.Arg204Leu)

Gene: GABRA1 (gamma-aminobutyric acid type A receptor subunit alpha1; plus strand). Cytogenetic location: 5q34.
Variant type: single nucleotide variant.
Coding change: c.611G>T on transcript NM_001127644.2 (MANE Select); coding-DNA position 611, G replaced by T.
Protein change: p.Arg204Leu; replaces arginine 204 with leucine.
Molecular consequence: missense variant.
Genome position (GRCh38, 1-based): chr5:161,882,609, G>T. VCF-style: chr5-161882609-G-T. GRCh37 (hg19) VCF-style: chr5-161309615-G-T.
Other names: c.611G>T, p.Arg204Leu (NM_000806.5, NM_001127643.2, NM_001127645.2 and 1 more transcripts); short protein forms R204L.
Identifiers: ClinVar variation 2948615 (VCV002948615.3), dbSNP rs777320447, ClinGen allele CA362179504.

ClinVar aggregate classification (germline): Uncertain significance (1 of 4 stars; one submission).

Conditions:
Idiopathic generalized epilepsy. Also called: EIG; Generalised epilepsy. Identifiers: MedGen C0270850, MONDO:0005579, OMIM 600669.
Epilepsy, idiopathic generalized, susceptibility to, 13. Also called: EPILEPSY, JUVENILE MYOCLONIC, SUSCEPTIBILITY TO, 5. Identifiers: Orphanet 307, Orphanet 64280, MedGen C4013473, MONDO:0012627, OMIM 611136.
Epilepsy, childhood absence 4 (ECA4). Also called: EPILEPSY, CHILDHOOD ABSENCE, SUSCEPTIBILITY TO, 4. Identifiers: Orphanet 307, MedGen C1970160.

Submission:

Labcorp Genetics (formerly Invitae), Labcorp
Classification: Uncertain significance for Epilepsy, childhood absence 4; Epilepsy, idiopathic generalized, susceptibility to, 13; Idiopathic generalized epilepsy. Last evaluated: 2023-06-05. Review status: criteria provided, single submitter. Criteria: Invitae Variant Classification Sherloc (09022015). Collection method: clinical testing. Allele origin: germline.
Comment: This sequence change replaces arginine, which is basic and polar, with leucine, which is neutral and non-polar, at codon 204 of the GABRA1 protein (p.Arg204Leu). This variant is not present in population databases (gnomAD no frequency). This variant has not been reported in the literature in individuals affected with GABRA1-related conditions. Advanced modeling of protein sequence and biophysical properties (such as structural, functional, and spatial information, amino acid conservation, physicochemical variation, residue mobility, and thermodynamic stability) performed at Invitae indicates that this missense variant is not expected to disrupt GABRA1 protein function. In summary, the available evidence is currently insufficient to determine the role of this variant in disease. Therefore, it has been classified as a Variant of Uncertain Significance.